The following is an entry in ClinVar:

ClinVar aggregate classification (germline): Uncertain significance (1 of 4 stars; one submission).

Conditions:
Inborn genetic diseases. Identifiers: MedGen C0950123, MeSH D030342.

gnomAD v4.1: 5 of 1,614,154 alleles (0.00031%); highest among the groups gnomAD compares: Non-Finnish European, 0.00042%; no homozygotes.

Submission:

Ambry Genetics
Classification: Uncertain significance for Inborn genetic diseases. Last evaluated: 2026-04-06. Review status: criteria provided, single submitter. Criteria: Ambry Variant Classification Scheme 2023. Collection method: clinical testing. Allele origin: germline.
Comment: The c.2000C>G (p.T667S) alteration is located in exon 16 (coding exon 15) of the MYH10 gene. This alteration results from a C to G substitution at nucleotide position 2000, causing the threonine (T) at amino acid position 667 to be replaced by a serine (S). Based on data from gnomAD, the G allele has an overall frequency of 0.001% (2/282898) total alleles studied. The highest observed frequency was 0.002% (2/129194) of European (non-Finnish) alleles. Based on insufficient or conflicting evidence, the clinical significance of this alteration remains unclear.

NM_001256012.3(MYH10):c.2093C>G (p.Thr698Ser)

Gene: MYH10 (myosin heavy chain 10; minus strand). Cytogenetic location: 17p13.1.
Variant type: single nucleotide variant.
Coding change: c.2093C>G on transcript NM_001256012.3 (MANE Select); coding-DNA position 2093, C replaced by G.
Protein change: p.Thr698Ser; replaces threonine 698 with serine.
Molecular consequence: missense variant.
Genome position (GRCh38, 1-based): chr17:8,521,150, G>C on the plus strand (C>G on the coding strand, the complement: MYH10 is on the minus strand). VCF-style: chr17-8521150-G-C. GRCh37 (hg19) VCF-style: chr17-8424468-G-C.
Other names: c.2027C>G, p.Thr676Ser (NM_001256095.2); c.2030C>G, p.Thr677Ser (NM_001375266.1); c.2000C>G, p.Thr667Ser (NM_005964.5); short protein forms T667S, T676S, T677S, T698S.
Identifiers: ClinVar variation 4860524 (VCV004860524.1).